The following is an entry in ClinVar:

ClinVar aggregate classification (germline): Uncertain significance. Review status: criteria provided, multiple submitters, no conflicts (2 of 4 stars). 2 submissions from 2 submitters: Uncertain significance (2). Last evaluated 2024-03-21.

Conditions:
Neuroblastoma, susceptibility to, 3. Also called: ALK-Related Neuroblastic Tumor Susceptibility. Identifiers: Orphanet 635, MedGen C2751681, MONDO:0013083, OMIM 613014.
Hereditary cancer-predisposing syndrome. Also called: Hereditary Cancer Syndrome; Hereditary neoplastic syndrome; Tumor predisposition; Neoplastic Syndromes, Hereditary. Identifiers: Orphanet 140162, MedGen C0027672, MeSH D009386, MONDO:0015356.

Submissions (2):

Ambry Genetics
Classification: Uncertain significance for Hereditary cancer-predisposing syndrome. Last evaluated: 2024-03-21. Review status: criteria provided, single submitter. Criteria: Ambry Variant Classification Scheme 2023. Collection method: clinical testing. Allele origin: germline.
Comment: The c.3709_3712dupTGTC variant, located in coding exon 24 of the ALK gene, results from a duplication of TGTC at nucleotide positions 3709 to 3712, causing a translational frameshift with a predicted alternate stop codon (p.Q1238Lfs*48). This alteration is expected to result in protein truncation or nonsense-mediated mRNA decay. However, loss of function of ALK has not been established as a mechanism of disease. Based on the available evidence, the clinical significance of this alteration remains unclear.

Labcorp Genetics (formerly Invitae), Labcorp
Classification: Uncertain significance for Neuroblastoma, susceptibility to, 3. Last evaluated: 2023-10-15. Review status: criteria provided, single submitter. Criteria: Invitae Variant Classification Sherloc (09022015). Collection method: clinical testing. Allele origin: germline.
Comment: This sequence change creates a premature translational stop signal (p.Gln1238Leufs*48) in the ALK gene. It is expected to result in an absent or disrupted protein product. However, the current clinical and genetic evidence is not sufficient to establish whether loss-of-function variants in ALK cause disease. This variant is not present in population databases (gnomAD no frequency). This variant has not been reported in the literature in individuals affected with ALK-related conditions. ClinVar contains an entry for this variant (Variation ID: 1355520). Experimental studies and prediction algorithms are not available or were not evaluated, and the functional significance of this variant is currently unknown. In summary, the available evidence is currently insufficient to determine the role of this variant in disease. Therefore, it has been classified as a Variant of Uncertain Significance.

NM_004304.5(ALK):c.3709_3712dup (p.Gln1238fs)

Gene: ALK (ALK receptor tyrosine kinase; minus strand). Cytogenetic location: 2p23.2.
Variant type: Duplication.
Coding change: c.3709_3712dup on transcript NM_004304.5 (MANE Select); coding-DNA positions 3709 to 3712, 4 bases duplicated (TGTC; older notation c.3709_3712dupTGTC).
Protein change: p.Gln1238fs; shifts the reading frame from glutamine 1238.
Molecular consequence: frameshift variant.
Genome position (GRCh38, 1-based): chr2:29,214,015-29,214,018, GACA duplicated on the plus strand (TGTC on the coding strand, the reverse complement: ALK is on the minus strand); duplicating any 4 consecutive bases within chr2:29,214,015-29,214,019 gives the same sequence; the c. name uses the placement nearest the transcript's 3' end. VCF-style (leftmost placement, unchanged base first): chr2-29214014-T-TGACA. GRCh37 (hg19) VCF-style: chr2-29436880-T-TGACA.
Other names: c.505_508dup, p.Gln170fs (NM_001353765.2); c.3709_3712dupTGTC (NM_004304.4); short protein forms Q1238fs, Q170fs.
Identifiers: ClinVar variation 1355520 (VCV001355520.7), dbSNP rs2148159371, ClinGen allele CA2573134526.